The following is an entry in ClinVar:

NM_002055.5(GFAP):c.1171+359C>G

Gene: GFAP (glial fibrillary acidic protein; minus strand). Cytogenetic location: 17q21.31.
Variant type: single nucleotide variant.
Coding change: c.1171+359C>G on transcript NM_002055.5 (MANE Select); 359 bases into the intron after coding-DNA position 1171, C replaced by G.
Molecular consequence: intron variant. On other transcripts: synonymous variant (2), 3 prime UTR variant (1).
Genome position (GRCh38, 1-based): chr17:44,910,256, G>C on the plus strand (C>G on the coding strand, the complement: GFAP is on the minus strand). VCF-style: chr17-44910256-G-C. GRCh37 (hg19) VCF-style: chr17-42987624-G-C.
Other names: c.1176C>G (NM_001363846.1); c.1176C>G, p.Gly392= (NM_001131019.3, NM_001363846.2); c.*213C>G (NM_001242376.3).
Identifiers: ClinVar variation 1644079 (VCV001644079.10), dbSNP rs369451032, ClinGen allele CA8608709.
Genomic context (GRCh38, chr17:44,910,256, plus strand): 5'-TATTGTGAGGCTTTTGAGATATCTTGTGACCTTGTGATTTTCCCCGTCTTTGGTGCTTTT[G>C]CCCCCTGTAGTGACAAGCAGTTAAAAAAACAAAAACAGAAAACACTCAGAAGGGCAGTGC-3'

ClinVar aggregate classification (germline): Likely benign. Review status: criteria provided, single submitter (1 of 4 stars). 2 submissions from 2 submitters: Likely benign (1). 1 of the submissions does not count toward it. Last evaluated 2024-02-23.

Conditions:
GFAP-related disorder. Also called: GFAP-related condition; GFAP-related disorders.

Allele frequency attached by ClinVar (database versions not stated): ExAC 0.00002; gnomAD exomes 0.00002; TOPMed 0.00003; gnomAD 0.00004; ESP Exome Variant Server 0.00019.

Submissions (2):

Labcorp Genetics (formerly Invitae), Labcorp
Classification: Likely benign. Last evaluated: 2024-02-23. Review status: criteria provided, single submitter. Criteria: Invitae Variant Classification Sherloc (09022015). Collection method: clinical testing. Allele origin: germline.

PreventionGenetics, part of Exact Sciences
Classification: Likely benign for GFAP-related condition. Last evaluated: 2022-11-09. Review status: no assertion criteria provided. Collection method: clinical testing. Allele origin: germline. Not counted in ClinVar's aggregate classification.
Comment: This variant is classified as likely benign based on ACMG/AMP sequence variant interpretation guidelines (Richards et al. 2015 PMID: 25741868, with internal and published modifications).